The following is an entry in ClinVar:

NM_000203.5(IDUA):c.352C>T (p.Leu118=)

Gene: IDUA (alpha-L-iduronidase; plus strand). Cytogenetic location: 4p16.3.
Variant type: single nucleotide variant.
Coding change: c.352C>T on transcript NM_000203.5 (MANE Select); coding-DNA position 352, C replaced by T.
Protein change: p.Leu118=; no amino-acid change (leucine 118 retained).
Molecular consequence: synonymous variant. On other transcripts: 5 prime UTR variant (1), non-coding transcript variant (1).
Genome position (GRCh38, 1-based): chr4:1,000,664, C>T. VCF-style: chr4-1000664-C-T. GRCh37 (hg19) VCF-style: chr4-994452-C-T.
Other names: NM_000203.5(IDUA):c.352C>T; p.Leu118=; c.-45C>T (NM_001363576.1).
Identifiers: ClinVar variation 92642 (VCV000092642.36), dbSNP rs3755954, ClinGen allele CA145883.

ClinVar aggregate classification (germline): Benign. Review status: reviewed by expert panel (3 of 4 stars). 17 submissions from 15 submitters: Benign (1). 16 of the submissions do not count toward it. Last evaluated 2024-12-06.

Conditions:
Mucopolysaccharidosis type 1. Also called: IDUA deficiency; MPS I; Mucopolysaccharidosis Type I. Identifiers: Orphanet 579, MedGen C0023786, MONDO:0001586.
Mucopolysaccharidosis, MPS-I-S. Also called: Scheie Syndrome; MPS V; MUCOPOLYSACCHARIDOSIS TYPE V; MUCOPOLYSACCHARIDOSIS TYPE IS. Identifiers: Orphanet 93474, MedGen C0026708, MONDO:0011760, OMIM 607016.
Hurler syndrome. Also called: Gargoylism, Hurler Syndrome; MUCOPOLYSACCHARIDOSIS TYPE IH; Severe MPS I (Hurler Syndrome). Identifiers: Orphanet 93473, MedGen C0086795, MONDO:0011758, OMIM 607014.
Mucopolysaccharidosis, MPS-I-H/S. Also called: Mucopolysaccharidosis type IH/S. Identifiers: Orphanet 93476, MedGen C0086431, MONDO:0011759, OMIM 607015.

Allele frequency attached by ClinVar (database versions not stated): 1000 Genomes Project 0.16214; 1000 Genomes Project 30x 0.16537; ExAC 0.19757; gnomAD exomes 0.20182 and 0.23169; gnomAD 0.21694 and 0.22368; TOPMed 0.21777; ESP Exome Variant Server 0.22566.
gnomAD v4.1: 369,982 of 1,611,626 alleles (23%); highest among the groups gnomAD compares: Non-Finnish European, 25%; 44,774 homozygotes.

Submissions (17):

ClinGen Lysosomal Storage Disorder Variant Curation Expert Panel
Classification: Benign for Mucopolysaccharidosis type 1. Last evaluated: 2024-12-06. Review status: reviewed by expert panel. Criteria: ClinGen LSD ACMG Specifications IDUA V1.0.0. Collection method: curation. Allele origin: germline. Inheritance: Autosomal recessive inheritance.
Comment: The NM_000203.5:c.352C>T variant in IDUA is a synonymous (silent) variant (p.Leu118=). The highest population minor allele frequency in gnomAD v4.1.0 is 0.2517 (296774/1178988 alleles; 37458 homozygotes) in the European non-Finnish population, which is higher than the ClinGen Lysosomal Diseases VCEP’s threshold for BA1 (>0.005), and therefore meets this criterion (BA1). There is a ClinVar entry for this variant (Variation ID: 92642). In summary, this variant meets the criteria to be classified as benign for mucopolysaccharidosis type 1. IDUA-specific ACMG/AMP criteria applied, as specified by the ClinGen Lysosomal Diseases Variant Curation Expert Panel (Specifications Version 1.0.0): BA1. (Classification approved by the ClinGen Lysosomal Diseases Variant Curation Expert Panel on December 6, 2024)

Labcorp Genetics (formerly Invitae), Labcorp
Classification: Benign for Mucopolysaccharidosis type 1. Last evaluated: 2026-02-04. Review status: criteria provided, single submitter. Criteria: Invitae Variant Classification Sherloc (09022015). Collection method: clinical testing. Allele origin: germline. Not counted in ClinVar's aggregate classification.

Blueprint Genetics
Classification: Benign. Last evaluated: 2024-11-26. Review status: criteria provided, single submitter. Criteria: ACMG Guidelines, 2015. Collection method: clinical testing. Allele origin: germline. Not counted in ClinVar's aggregate classification.

Genome-Nilou Lab
Classification: Benign for Hurler syndrome. Last evaluated: 2021-07-10. Review status: criteria provided, single submitter. Criteria: ACMG Guidelines, 2015. Collection method: clinical testing. Allele origin: germline. Affected: no. Not counted in ClinVar's aggregate classification.

Genome-Nilou Lab
Classification: Benign for Mucopolysaccharidosis, MPS-I-H/S. Last evaluated: 2021-07-10. Review status: criteria provided, single submitter. Criteria: ACMG Guidelines, 2015. Collection method: clinical testing. Allele origin: germline. Affected: no. Not counted in ClinVar's aggregate classification.

Genome-Nilou Lab
Classification: Benign for Mucopolysaccharidosis, MPS-I-S. Last evaluated: 2021-07-10. Review status: criteria provided, single submitter. Criteria: ACMG Guidelines, 2015. Collection method: clinical testing. Allele origin: germline. Affected: no. Not counted in ClinVar's aggregate classification.

GeneDx
Classification: Benign. Last evaluated: 2018-08-31. Review status: criteria provided, single submitter. Criteria: GeneDx Variant Classification Process June 2021. Collection method: clinical testing. Allele origin: germline. Affected: yes. Not counted in ClinVar's aggregate classification.
Comment: This variant is associated with the following publications: (PMID: 9700243, 12509712, 19396826)

Eurofins Ntd Llc (ga)
Classification: Benign. Last evaluated: 2018-05-25. Review status: criteria provided, single submitter. Criteria: EGL ClinVar v180209 classification definitions. Collection method: clinical testing. Allele origin: germline. Observed: 76 variant alleles, 63 heterozygotes, 13 homozygotes. Not counted in ClinVar's aggregate classification.

Illumina Laboratory Services, Illumina
Classification: Benign for Mucopolysaccharidosis type 1. Last evaluated: 2018-01-13. Review status: criteria provided, single submitter. Criteria: ICSL Variant Classification Criteria 13 December 2019. Collection method: clinical testing. Allele origin: germline. Not counted in ClinVar's aggregate classification.
Comment: This variant was observed in the ICSL laboratory as part of a predisposition screen in an ostensibly healthy population. It had not been previously curated by ICSL or reported in the Human Gene Mutation Database (HGMD: prior to June 1st, 2018), and was therefore a candidate for classification through an automated scoring system. Utilizing variant allele frequency, disease prevalence and penetrance estimates, and inheritance mode, an automated score was calculated to assess if this variant is too frequent to cause the disease. Based on the score and internal cut-off values, a variant classified as benign is not then subjected to further curation. The score for this variant resulted in a classification of benign for this disease.

Breakthrough Genomics
Classification: Benign. Review status: criteria provided, single submitter. Criteria: ACMG Guidelines, 2015. Collection method: not provided. Allele origin: germline. Inheritance: Autosomal recessive inheritance. Affected: yes. Not counted in ClinVar's aggregate classification.

PreventionGenetics, part of Exact Sciences
Classification: Benign. Review status: criteria provided, single submitter. Criteria: ACMG Guidelines, 2015. Collection method: clinical testing. Allele origin: germline. Not counted in ClinVar's aggregate classification.

Natera, Inc.
Classification: Benign for Mucopolysaccharidosis type I. Last evaluated: 2017-05-11. Review status: no assertion criteria provided. Collection method: clinical testing. Allele origin: germline. Not counted in ClinVar's aggregate classification.

Mayo Clinic Laboratories, Mayo Clinic
Classification: Benign. Last evaluated: 2015-10-20. Review status: no assertion criteria provided. Collection method: clinical testing. Allele origin: unknown. Not counted in ClinVar's aggregate classification.

Clinical Genetics DNA and cytogenetics Diagnostics Lab, Erasmus MC, Erasmus Medical Center
Classification: Benign. Review status: no assertion criteria provided. Collection method: clinical testing. Allele origin: germline. Affected: yes. Study: VKGL Data-share Consensus. Not counted in ClinVar's aggregate classification.

Clinical Genetics, Academic Medical Center
Classification: Benign. Review status: no assertion criteria provided. Collection method: clinical testing. Allele origin: germline. Affected: yes. Study: VKGL Data-share Consensus. Not counted in ClinVar's aggregate classification.

Diagnostic Laboratory, Department of Genetics, University Medical Center Groningen
Classification: Benign. Review status: no assertion criteria provided. Collection method: clinical testing. Allele origin: germline. Affected: yes. Study: VKGL Data-share Consensus. Not counted in ClinVar's aggregate classification.

Joint Genome Diagnostic Labs from Nijmegen and Maastricht, Radboudumc and MUMC+
Classification: Benign. Review status: no assertion criteria provided. Collection method: clinical testing. Allele origin: germline. Affected: yes. Study: VKGL Data-share Consensus. Not counted in ClinVar's aggregate classification.